The following is an entry in ClinVar:

NM_000271.5(NPC1):c.3591+4del

Gene: NPC1 (NPC intracellular cholesterol transporter 1; minus strand). Cytogenetic location: 18q11.2.
Variant type: Deletion.
Coding change: c.3591+4del on transcript NM_000271.5 (MANE Select); 4 bases into the intron after coding-DNA position 3591, one base deleted (A; older notation c.3591+4delA).
Molecular consequence: intron variant.
Genome position (GRCh38, 1-based): chr18:23,534,442, T deleted on the plus strand (A on the coding strand, the reverse complement: NPC1 is on the minus strand). VCF-style (leftmost placement, unchanged base first): chr18-23534441-CT-C. GRCh37 (hg19) VCF-style: chr18-21114405-CT-C.
Other names: c.3591+4delA (NM_000271.4).
Identifiers: ClinVar variation 195722 (VCV000195722.14), dbSNP rs794727371, ClinGen allele CA242283.

ClinVar aggregate classification (germline): Conflicting classifications of pathogenicity. Review status: criteria provided, conflicting classifications (1 of 4 stars). 4 submissions from 4 submitters: Pathogenic (1); Likely pathogenic (2); Uncertain significance (1). Last evaluated 2025-08-28.

Conditions:
Niemann-Pick disease, type C1. Also called: NIEMANN-PICK DISEASE, VARIANT TYPE C1; NEUROVISCERAL STORAGE DISEASE WITH VERTICAL SUPRANUCLEAR OPHTHALMOPLEGIA; NIEMANN-PICK DISEASE WITH CHOLESTEROL ESTERIFICATION BLOCK; NIEMANN-PICK DISEASE WITHOUT SPHINGOMYELINASE DEFICIENCY; NIEMANN-PICK DISEASE, CHRONIC NEURONOPATHIC FORM. Identifiers: Orphanet 646, MedGen C3179455, MONDO:0009757, OMIM 257220.

Allele frequency attached by ClinVar (database versions not stated): gnomAD exomes below 0.00001 and 0.00003; TOPMed below 0.00001; gnomAD 0.00001.

Submissions (4):

GeneDx
Classification: Likely pathogenic. Last evaluated: 2025-08-28. Review status: criteria provided, single submitter. Criteria: GeneDx Variant Classification Process June 2021. Collection method: clinical testing. Allele origin: germline. Affected: yes.
Comment: Not observed at significant frequency in large population cohorts (gnomAD); In silico analysis supports a deleterious effect on splicing; This variant is associated with the following publications: (PMID: 28710748, 26666848, 12955717, 35140266)

Natera, Inc.
Classification: Likely pathogenic for Niemann-Pick disease type C1. Last evaluated: 2025-04-10. Review status: criteria provided, single submitter. Criteria: Natera Variant Classification Schema (03/2026). Collection method: clinical testing. Allele origin: germline.
Comment: The c.3591+4delA variant in NPC1 is a frameshift variant predicted to shift the reading frame and introduce a stop codon. This variant is rare in the general population with a frequency below the threshold expected for the associated phenotype(s). This variant has been observed in one or more individuals affected with the associated recessive disease, as either homozygous or compound heterozygous with a second variant (PMID: 17160617, 26666848). This variant has been identified in one or more affected individuals with a phenotype highly consistent with the associated gene (PMID: 26666848). Computational prediction algorithms indicate this variant is likely to affect gene or protein function. Given the available evidence, this variant is classified as Likely Pathogenic.

Labcorp Genetics (formerly Invitae), Labcorp
Classification: Pathogenic for Niemann-Pick disease, type C1. Last evaluated: 2024-01-02. Review status: criteria provided, single submitter. Criteria: Invitae Variant Classification Sherloc (09022015). Collection method: clinical testing. Allele origin: germline.
Comment: This sequence change falls in intron 23 of the NPC1 gene. It does not directly change the encoded amino acid sequence of the NPC1 protein. It affects a nucleotide within the consensus splice site. This variant is present in population databases (rs794727371, gnomAD 0.002%). This variant has been observed in individual(s) with Niemann-Pick Type C (PMID: 26666848, 28710748). In at least one individual the data is consistent with being in trans (on the opposite chromosome) from a pathogenic variant. ClinVar contains an entry for this variant (Variation ID: 195722). Variants that disrupt the consensus splice site are a relatively common cause of aberrant splicing (PMID: 17576681, 9536098). Algorithms developed to predict the effect of sequence changes on RNA splicing suggest that this variant may disrupt the consensus splice site. For these reasons, this variant has been classified as Pathogenic.

Eurofins Ntd Llc (ga)
Classification: Uncertain significance. Last evaluated: 2014-12-04. Review status: criteria provided, single submitter. Criteria: EGL Classification Definitions 2015. Collection method: clinical testing. Allele origin: germline. Observed: 2 variant alleles, 2 heterozygotes.

Literature cited by the submitters: PubMed 17160617 (cited by Natera, Inc.); PubMed 26666848 (cited by Natera, Inc. and Labcorp Genetics (formerly Invitae), Labcorp); PubMed 28710748 (cited by Labcorp Genetics (formerly Invitae), Labcorp); PubMed 17576681 (cited by Labcorp Genetics (formerly Invitae), Labcorp); PubMed 9536098 (cited by Labcorp Genetics (formerly Invitae), Labcorp).